The following is an entry in ClinVar:

ClinVar aggregate classification (germline): Uncertain significance (1 of 4 stars; one submission).

gnomAD v4.1: 34 of 1,613,750 alleles (0.0021%); highest among the groups gnomAD compares: African/African-American, 0.013%; no homozygotes.

Submission:

Labcorp Genetics (formerly Invitae), Labcorp
Classification: Uncertain significance. Last evaluated: 2025-10-15. Review status: criteria provided, single submitter. Criteria: Invitae Variant Classification Sherloc (09022015). Collection method: clinical testing. Allele origin: germline.
Comment: This sequence change replaces serine, which is neutral and polar, with glycine, which is neutral and non-polar, at codon 50 of the TCF20 protein (p.Ser50Gly). This variant is present in population databases (rs373187841, gnomAD 0.01%). This variant has not been reported in the literature in individuals affected with TCF20-related conditions. An algorithm developed to predict the effect of missense changes on protein structure and function outputs the following: PolyPhen-2: "Benign". The glycine amino acid residue is found in multiple mammalian species, which suggests that this missense change does not adversely affect protein function. In summary, the available evidence is currently insufficient to determine the role of this variant in disease. Therefore, it has been classified as a Variant of Uncertain Significance.

NM_001378418.1(TCF20):c.148A>G (p.Ser50Gly)

Gene: TCF20 (transcription factor 20; minus strand). Cytogenetic location: 22q13.2.
Variant type: single nucleotide variant.
Coding change: c.148A>G on transcript NM_001378418.1 (MANE Select); coding-DNA position 148, A replaced by G.
Protein change: p.Ser50Gly; replaces serine 50 with glycine.
Molecular consequence: missense variant.
Genome position (GRCh38, 1-based): chr22:42,215,158, T>C on the plus strand (A>G on the coding strand, the complement: TCF20 is on the minus strand). VCF-style: chr22-42215158-T-C. GRCh37 (hg19) VCF-style: chr22-42611164-T-C.
Other names: c.148A>G, p.Ser50Gly (NM_005650.4, NM_181492.3); short protein forms S50G.
Identifiers: ClinVar variation 4696743 (VCV004696743.1).